The following is an entry in ClinVar:

NM_001130823.3(DNMT1):c.832C>A (p.Pro278Thr)

Gene: DNMT1 (DNA methyltransferase 1; minus strand). Cytogenetic location: 19p13.2.
Variant type: single nucleotide variant.
Coding change: c.832C>A on transcript NM_001130823.3 (MANE Select); coding-DNA position 832, C replaced by A.
Protein change: p.Pro278Thr; replaces proline 278 with threonine.
Molecular consequence: missense variant.
Genome position (GRCh38, 1-based): chr19:10,166,657, G>T on the plus strand (C>A on the coding strand, the complement: DNMT1 is on the minus strand). VCF-style: chr19-10166657-G-T. GRCh37 (hg19) VCF-style: chr19-10277333-G-T.
Other names: c.784C>A, p.Pro262Thr (NM_001318730.2, NM_001379.4); c.469C>A, p.Pro157Thr (NM_001318731.2); short protein forms P278T, P262T, P157T.
Identifiers: ClinVar variation 2717991 (VCV002717991.3), dbSNP rs2513855237, ClinGen allele CA403942110.

ClinVar aggregate classification (germline): Uncertain significance (1 of 4 stars; one submission).

Conditions:
Hereditary sensory neuropathy-deafness-dementia syndrome. Also called: Hereditary sensory neuropathy type IE; HSN IE; NEUROPATHY, HEREDITARY SENSORY, WITH HEARING LOSS AND DEMENTIA; Hereditary Sensory and Autonomic Neuropathy Type 1E (HSAN1E). Identifiers: Orphanet 456318, MedGen C3279885, MONDO:0013584, OMIM 614116.

gnomAD v4.1: 1 of 1,614,156 alleles (0.000062%); highest among the groups gnomAD compares: Non-Finnish European, 0.000085%; no homozygotes.

Submission:

Labcorp Genetics (formerly Invitae), Labcorp
Classification: Uncertain significance for Hereditary sensory neuropathy-deafness-dementia syndrome. Last evaluated: 2023-01-14. Review status: criteria provided, single submitter. Criteria: Invitae Variant Classification Sherloc (09022015). Collection method: clinical testing. Allele origin: germline.
Comment: In summary, the available evidence is currently insufficient to determine the role of this variant in disease. Therefore, it has been classified as a Variant of Uncertain Significance. Algorithms developed to predict the effect of missense changes on protein structure and function (SIFT, PolyPhen-2, Align-GVGD) all suggest that this variant is likely to be tolerated. This variant has not been reported in the literature in individuals affected with DNMT1-related conditions. This variant is not present in population databases (gnomAD no frequency). This sequence change replaces proline, which is neutral and non-polar, with threonine, which is neutral and polar, at codon 278 of the DNMT1 protein (p.Pro278Thr).